The following is an entry in ClinVar:

ClinVar aggregate classification (germline): Likely benign (1 of 4 stars; one submission).

Conditions:
SCAPER-related disorder. Also called: SCAPER-related condition.

gnomAD v4.1: 2 of 1,598,316 alleles (0.00013%); highest among the groups gnomAD compares: Admixed American, 0.0017%; no homozygotes.

Submission:

PreventionGenetics, part of Exact Sciences
Classification: Likely benign for SCAPER-related condition. Last evaluated: 2026-07-23. Review status: criteria provided, single submitter. Criteria: ACMG Guidelines, 2015. Collection method: clinical testing. Allele origin: germline.
Comment: This variant is classified as likely benign based on ACMG/AMP sequence variant interpretation guidelines (Richards et al. 2015 PMID: 25741868, with internal and published modifications).

NM_020843.4(SCAPER):c.12A>G (p.Ser4=)

Gene: SCAPER (S-phase cyclin A associated protein in the ER; minus strand). Cytogenetic location: 15q24.3.
Variant type: single nucleotide variant.
Coding change: c.12A>G on transcript NM_020843.4 (MANE Select); coding-DNA position 12, A replaced by G.
Protein change: p.Ser4=; no amino-acid change (serine 4 retained).
Molecular consequence: synonymous variant. On other transcripts: 5 prime UTR variant (3), non-coding transcript variant (1).
Genome position (GRCh38, 1-based): chr15:76,862,528, T>C on the plus strand (A>G on the coding strand, the complement: SCAPER is on the minus strand). VCF-style: chr15-76862528-T-C. GRCh37 (hg19) VCF-style: chr15-77154869-T-C.
Other names: c.12A>G, p.Ser4= (NM_001353009.2); c.-446A>G (NM_001353010.2); c.-509A>G (NM_001353011.2); c.-391A>G (NM_001353012.2).
Identifiers: ClinVar variation 4988693 (VCV004988693.1).
Genomic context (GRCh38, chr15:76,862,528, plus strand): 5'-TGTACGACCCTCCTCTGCAACTATTCTCCTTACTTTGTCATGACTATTGGAGCGCTGGAA[T>C]GAAGCCTATGTATGGAAAAGATGGTACTTATTAGATTATTAGATAAGTCAAAATATATAT-3'
Protein context (NP_065894.2, residues 1-14): MMA[Ser4=]FQRSNSHDKV